The following is an entry in ClinVar:

NM_000257.4(MYH7):c.3664A>G (p.Ser1222Gly)

Gene: MYH7 (myosin heavy chain 7; minus strand). Cytogenetic location: 14q11.2.
Variant type: single nucleotide variant.
Coding change: c.3664A>G on transcript NM_000257.4 (MANE Select); coding-DNA position 3664, A replaced by G.
Protein change: p.Ser1222Gly; replaces serine 1222 with glycine.
Molecular consequence: missense variant.
Genome position (GRCh38, 1-based): chr14:23,419,907, T>C on the plus strand (A>G on the coding strand, the complement: MYH7 is on the minus strand). VCF-style: chr14-23419907-T-C. GRCh37 (hg19) VCF-style: chr14-23889116-T-C.
Other names: short protein forms S1222G.
Identifiers: ClinVar variation 179125 (VCV000179125.5), dbSNP rs727504647, ClinGen allele CA013937.

ClinVar aggregate classification (germline): Uncertain significance. Review status: criteria provided, multiple submitters, no conflicts (2 of 4 stars). 2 submissions from 2 submitters: Uncertain significance (2). Last evaluated 2023-04-03.

Conditions:
Cardiomyopathy (CMYO). Also called: Cardiomyopathies. Identifiers: Orphanet 167848, MedGen C0878544, MONDO:0004994, HP:0001638. Inheritance: Various modes of inheritance.

Submissions (2):

All of Us Research Program, National Institutes of Health
Classification: Uncertain significance for Cardiomyopathy. Last evaluated: 2023-04-03. Review status: criteria provided, single submitter. Criteria: ACMG Guidelines, 2015. Collection method: clinical testing. Allele origin: germline. Inheritance: Autosomal dominant inheritance. Observed: 1 variant allele, 1 heterozygote.
Comment: This missense variant replaces serine with glycine at codon 1222 of the MYH7 protein. Computational prediction suggests that this variant may have a deleterious impact on protein structure and function (internally defined REVEL score threshold >= 0.7, PMID: 27666373). To our knowledge, functional studies have not been reported for this variant. This variant has been reported in an individual affected with hypertrophic cardiomyopathy (PMID: 25611685, 27532257). This variant has not been identified in the general population by the Genome Aggregation Database (gnomAD). The available evidence is insufficient to determine the role of this variant in disease conclusively. Therefore, this variant is classified as a Variant of Uncertain Significance.

This study involves interpretation of variants in research participants for the purpose of population health screening. Participant phenotype was not available at the time of variant classification. Additional details can be found in publication PMID: 35346344, PMCID: PMC8962531

Laboratory for Molecular Medicine, Mass General Brigham Personalized Medicine
Classification: Uncertain significance. Last evaluated: 2022-08-22. Review status: criteria provided, single submitter. Criteria: ACMG Guidelines, 2015. Collection method: clinical testing. Allele origin: germline.
Comment: The p.Ser1222Gly variant in MYH7 has been identified 1 individual with HCM and arrhythmia (LMM data, Walsh 2017 PMID: 27532257). It was absent from large population studies. Computational prediction tools and conservation analyses suggest that this variant may impact the protein, though this information is not predictive enough to determine pathogenicity. In summary, the clinical significance of this variant is uncertain. ACMG/AMP Criteria applied: PM2_Supporting, PP3.

Literature cited by the submitters: PubMed 25611685 (cited by All of Us Research Program, National Institutes of Health); PubMed 27532257 (cited by All of Us Research Program, National Institutes of Health).